The following is an entry in ClinVar:

NM_000094.4(COL7A1):c.5942A>G (p.Lys1981Arg)

Gene: COL7A1 (collagen type VII alpha 1 chain; minus strand). Cytogenetic location: 3p21.31.
Variant type: single nucleotide variant.
Coding change: c.5942A>G on transcript NM_000094.4 (MANE Select); coding-DNA position 5942, A replaced by G.
Protein change: p.Lys1981Arg; replaces lysine 1981 with arginine.
Molecular consequence: missense variant.
Genome position (GRCh38, 1-based): chr3:48,575,663, T>C on the plus strand (A>G on the coding strand, the complement: COL7A1 is on the minus strand). VCF-style: chr3-48575663-T-C. GRCh37 (hg19) VCF-style: chr3-48613096-T-C.
Other names: short protein forms K1981R.
Identifiers: ClinVar variation 4817389 (VCV004817389.1).
Genomic context (GRCh38, chr3:48,575,663, plus strand): 5'-CCCACTGAGCCACTTCTGCTCACCTCCTTGCCTGGGGGGCCCTGTTCGCCTGAGTCCCCC[T>C]TGGGGCCTCGACGCCGTTCGGGCACAGGCAGGAAGCTACCAGAGCTCTCATCCCAGGTCT-3'
Protein context (NP_000085.1, residues 1971-1991): LPVPERRRGP[Lys1981Arg]GDSGEQGPPG

ClinVar aggregate classification (germline): Likely pathogenic (1 of 4 stars; one submission).

Conditions:
Epidermolysis bullosa dystrophica. Also called: Dystrophic epidermolysis bullosa, Hallopeau-Siemens type (formerly); Dystrophic epidermolysis bullosa. Identifiers: Orphanet 303, MedGen C0079294, MONDO:0006543.

Submission:

Natera, Inc.
Classification: Likely pathogenic for Dystrophic epidermolysis bullosa. Last evaluated: 2025-07-07. Review status: criteria provided, single submitter. Criteria: Natera Variant Classification Schema (03/2026). Collection method: clinical testing. Allele origin: germline.
Comment: The c.5942A>G variant in COL7A1 is a missense variant predicted to cause substitution of lysine to arginine at amino acid 1981. This variant is rare in the general population with a frequency below the threshold expected for the associated phenotype(s). This variant has been observed in one or more individuals affected with the associated recessive disease, as either homozygous or compound heterozygous with a second variant (PMID: 26707537). Given the available evidence, this variant is classified as Likely Pathogenic.

Literature cited by the submitters: PubMed 26707537.